The following is an entry in ClinVar:

NM_001005242.3(PKP2):c.985A>G (p.Ser329Gly)

Gene: PKP2 (plakophilin 2; minus strand). Cytogenetic location: 12p11.21.
Variant type: single nucleotide variant.
Coding change: c.985A>G on transcript NM_001005242.3 (MANE Select); coding-DNA position 985, A replaced by G.
Protein change: p.Ser329Gly; replaces serine 329 with glycine.
Molecular consequence: missense variant.
Genome position (GRCh38, 1-based): chr12:32,877,895, T>C on the plus strand (A>G on the coding strand, the complement: PKP2 is on the minus strand). VCF-style: chr12-32877895-T-C. GRCh37 (hg19) VCF-style: chr12-33030829-T-C.
Other names: c.985A>G, p.Ser329Gly (NM_004572.4); short protein forms S329G.
Identifiers: ClinVar variation 979116 (VCV000979116.4), dbSNP rs779173447, ClinGen allele CA384361806.

ClinVar aggregate classification (germline): Uncertain significance. Review status: criteria provided, multiple submitters, no conflicts (2 of 4 stars). 4 submissions from 4 submitters: Uncertain significance (4). Last evaluated 2025-09-18.

Conditions:
Cardiovascular phenotype. Identifiers: MedGen CN230736.
Cardiomyopathy (CMYO). Also called: Cardiomyopathies. Identifiers: Orphanet 167848, MedGen C0878544, MONDO:0004994, HP:0001638. Inheritance: Various modes of inheritance.
Arrhythmogenic right ventricular dysplasia 9 (ARVD9). Also called: ARRHYTHMOGENIC RIGHT VENTRICULAR DYSPLASIA, FAMILIAL, 9; Arrhythmogenic Right Ventricular Dysplasia/Cardiomyopathy 9. Identifiers: MedGen C1836906, MONDO:0012180, OMIM 609040.

Allele frequency attached by ClinVar (database versions not stated): TOPMed 0.00001.
gnomAD v4.1: 9 of 1,614,152 alleles (0.00056%); highest among the groups gnomAD compares: East Asian, 0.0067%; no homozygotes.

Submissions (4):

Labcorp Genetics (formerly Invitae), Labcorp
Classification: Uncertain significance for Arrhythmogenic right ventricular dysplasia 9. Last evaluated: 2025-09-18. Review status: criteria provided, single submitter. Criteria: Invitae Variant Classification Sherloc (09022015). Collection method: clinical testing. Allele origin: germline.
Comment: This sequence change replaces serine, which is neutral and polar, with glycine, which is neutral and non-polar, at codon 329 of the PKP2 protein (p.Ser329Gly). This variant is not present in population databases (gnomAD no frequency). This variant has not been reported in the literature in individuals affected with PKP2-related conditions. ClinVar contains an entry for this variant (Variation ID: 979116). An algorithm developed to predict the effect of missense changes on protein structure and function outputs the following: PolyPhen-2: "Benign". The glycine amino acid residue is found in multiple mammalian species, which suggests that this missense change does not adversely affect protein function. In summary, the available evidence is currently insufficient to determine the role of this variant in disease. Therefore, it has been classified as a Variant of Uncertain Significance.

Color Diagnostics, LLC DBA Color Health
Classification: Uncertain significance for Cardiomyopathy. Last evaluated: 2023-11-08. Review status: criteria provided, single submitter. Criteria: ACMG Guidelines, 2015. Collection method: clinical testing. Allele origin: germline.
Comment: This missense variant replaces serine with glycine at codon 329 of the PKP2 protein. Computational prediction suggests that this variant may not impact protein structure and function. To our knowledge, functional studies have not been reported for this variant. This variant has not been reported in individuals affected with PKP2-related disorders in the literature. This variant has not been identified in the general population by the Genome Aggregation Database (gnomAD). The available evidence is insufficient to determine the role of this variant in disease conclusively. Therefore, this variant is classified as a Variant of Uncertain Significance.

Ambry Genetics
Classification: Uncertain significance for Cardiovascular phenotype. Last evaluated: 2021-04-14. Review status: criteria provided, single submitter. Criteria: Ambry Variant Classification Scheme 2023. Collection method: clinical testing. Allele origin: germline.
Comment: The p.S329G variant (also known as c.985A>G), located in coding exon 3 of the PKP2 gene, results from an A to G substitution at nucleotide position 985. The serine at codon 329 is replaced by glycine, an amino acid with similar properties. This amino acid position is not well conserved in available vertebrate species, and glycine is the reference amino acid in other vertebrate species. In addition, this alteration is predicted to be tolerated by in silico analysis. Since supporting evidence is limited at this time, the clinical significance of this alteration remains unclear.

Human Genome Sequencing Center Clinical Lab, Baylor College of Medicine
Classification: Uncertain significance for Arrhythmogenic right ventricular dysplasia, type 9. Review status: criteria provided, single submitter. Criteria: ACMG Guidelines, 2015. Collection method: clinical testing. Allele origin: germline.